The following is an entry in ClinVar:

ClinVar aggregate classification (germline): Likely benign. Review status: criteria provided, multiple submitters, no conflicts (2 of 4 stars). 3 submissions from 3 submitters: Likely benign (2). 1 of the submissions does not count toward it. Last evaluated 2026-02-02.

Conditions:
NTHL1-related disorder. Also called: NTHL1-related conditions; NTHL1-related condition.
Hereditary cancer-predisposing syndrome. Also called: Hereditary Cancer Syndrome; Hereditary neoplastic syndrome; Neoplastic Syndromes, Hereditary; Tumor predisposition. Identifiers: Orphanet 140162, MedGen C0027672, MeSH D009386, MONDO:0015356.

Allele frequency attached by ClinVar (database versions not stated): gnomAD 0.00001; TOPMed 0.00002.
gnomAD v4.1: 9 of 1,612,242 alleles (0.00056%); highest among the groups gnomAD compares: Non-Finnish European, 0.00076%; no homozygotes.

Submissions (3):

Labcorp Genetics (formerly Invitae), Labcorp
Classification: Likely benign. Last evaluated: 2026-02-02. Review status: criteria provided, single submitter. Criteria: Invitae Variant Classification Sherloc (09022015). Collection method: clinical testing. Allele origin: germline.

Ambry Genetics
Classification: Likely benign for Hereditary cancer-predisposing syndrome. Last evaluated: 2018-06-07. Review status: criteria provided, single submitter. Criteria: Ambry Variant Classification Scheme 2023. Collection method: clinical testing. Allele origin: germline.

PreventionGenetics, part of Exact Sciences
Classification: Likely benign for NTHL1-related condition. Last evaluated: 2023-04-13. Review status: no assertion criteria provided. Collection method: clinical testing. Allele origin: germline. Not counted in ClinVar's aggregate classification.
Comment: This variant is classified as likely benign based on ACMG/AMP sequence variant interpretation guidelines (Richards et al. 2015 PMID: 25741868, with internal and published modifications).

NM_002528.7(NTHL1):c.408C>T (p.Asp136=)

Gene: NTHL1 (nth like DNA glycosylase 1; minus strand). Cytogenetic location: 16p13.3.
Variant type: single nucleotide variant.
Coding change: c.408C>T on transcript NM_002528.7 (MANE Select); coding-DNA position 408, C replaced by T.
Protein change: p.Asp136=; no amino-acid change (aspartic acid 136 retained).
Molecular consequence: synonymous variant. On other transcripts: intron variant (1).
Genome position (GRCh38, 1-based): chr16:2,044,747, G>A on the plus strand (C>T on the coding strand, the complement: NTHL1 is on the minus strand). VCF-style: chr16-2044747-G-A. GRCh37 (hg19) VCF-style: chr16-2094748-G-A.
Other names: c.78C>T, p.Asp26= (NM_001318194.2); c.355-1021C>T (NM_001318193.2).
Identifiers: ClinVar variation 757786 (VCV000757786.17), dbSNP rs1451036395, ClinGen allele CA492952989.